The following is an entry in ClinVar:

ClinVar aggregate classification (germline): Uncertain significance. Review status: criteria provided, multiple submitters, no conflicts (2 of 4 stars). 2 submissions from 2 submitters: Uncertain significance (2). Last evaluated 2024-07-20.

Conditions:
Wilson disease (WND). Also called: Wilson's disease. Identifiers: Orphanet 905, MedGen C0019202, MONDO:0010200, OMIM 277900. Disease mechanism: loss of function.

Allele frequency attached by ClinVar (database versions not stated): ExAC 0.00002; gnomAD 0.00002; gnomAD exomes 0.00002; TOPMed 0.00002.
gnomAD v4.1: 34 of 1,614,094 alleles (0.0021%); highest among the groups gnomAD compares: East Asian, 0.013%; no homozygotes.

Submissions (2):

All of Us Research Program, National Institutes of Health
Classification: Uncertain significance for Wilson disease. Last evaluated: 2024-07-20. Review status: criteria provided, single submitter. Criteria: ACMG Guidelines, 2015. Collection method: clinical testing. Allele origin: germline. Inheritance: Autosomal recessive inheritance. Observed: 4 variant alleles, 4 heterozygotes.
Comment: This missense variant replaces valine with methionine at codon 1109 of the ATP7B protein. Computational prediction suggests that this variant may not impact protein structure and function (internally defined REVEL score threshold <= 0.5, PMID: 27666373). To our knowledge, functional studies have not been reported for this variant. This variant has not been reported in individuals affected with Wilson disease in the literature. This variant has been identified in 7/249574 chromosomes in the general population by the Genome Aggregation Database (gnomAD). The available evidence is insufficient to determine the role of this variant in disease conclusively. Therefore, this variant is classified as a Variant of Uncertain Significance.

This study involves interpretation of variants in research participants for the purpose of population health screening. Participant phenotype was not available at the time of variant classification. Additional details can be found in publication PMID: 35346344, PMCID: PMC8962531

Labcorp Genetics (formerly Invitae), Labcorp
Classification: Uncertain significance for Wilson disease. Last evaluated: 2022-01-06. Review status: criteria provided, single submitter. Criteria: Invitae Variant Classification Sherloc (09022015). Collection method: clinical testing. Allele origin: germline.
Comment: This sequence change replaces valine, which is neutral and non-polar, with methionine, which is neutral and non-polar, at codon 1109 of the ATP7B protein (p.Val1109Met). This variant is present in population databases (rs759109027, gnomAD 0.03%). This variant has not been reported in the literature in individuals affected with ATP7B-related conditions. Algorithms developed to predict the effect of missense changes on protein structure and function output the following: SIFT: "Tolerated"; PolyPhen-2: "Possibly Damaging"; Align-GVGD: "Class C0". The methionine amino acid residue is found in multiple mammalian species, which suggests that this missense change does not adversely affect protein function. In summary, the available evidence is currently insufficient to determine the role of this variant in disease. Therefore, it has been classified as a Variant of Uncertain Significance.

NM_000053.4(ATP7B):c.3325G>A (p.Val1109Met)

Gene: ATP7B (ATPase copper transporting beta; minus strand). Cytogenetic location: 13q14.3.
Variant type: single nucleotide variant.
Coding change: c.3325G>A on transcript NM_000053.4 (MANE Select); coding-DNA position 3325, G replaced by A.
Protein change: p.Val1109Met; replaces valine 1109 with methionine.
Molecular consequence: missense variant.
Genome position (GRCh38, 1-based): chr13:51,942,473, C>T on the plus strand (G>A on the coding strand, the complement: ATP7B is on the minus strand). VCF-style: chr13-51942473-C-T. GRCh37 (hg19) VCF-style: chr13-52516609-C-T.
Other names: c.3073G>A, p.Val1025Met (NM_001330579.2, NM_001406531.1, NM_001406532.1); c.3325G>A, p.Val1109Met (NM_001406511.1, NM_001406512.1, NM_001406526.1); c.3319G>A, p.Val1107Met (NM_001406513.1); c.3292G>A, p.Val1098Met (NM_001406514.1); c.3271G>A, p.Val1091Met (NM_001406515.1, NM_001406516.1); c.3229G>A, p.Val1077Met (NM_001406517.1, NM_001406518.1); c.3190G>A, p.Val1064Met (NM_001406519.1); c.3181G>A, p.Val1061Met (NM_001406520.1, NM_001406521.1, NM_001406522.1); and 19 more; short protein forms V1044M, V1050M, V1107M, V679M, V893M, V966M, V998M, V999M.
Identifiers: ClinVar variation 2147483 (VCV002147483.3), dbSNP rs759109027, ClinGen allele CA6988737.